The following is an entry in ClinVar:

NM_134261.3(RORA):c.1016A>C (p.Lys339Thr)

Genes: RORA (RAR related orphan receptor A; minus strand), RORA-AS1 (RORA antisense RNA 1; plus strand). Cytogenetic location: 15q22.2.
Variant type: single nucleotide variant.
Coding change: c.1016A>C on transcript NM_134261.3 (MANE Select); coding-DNA position 1016, A replaced by C.
Protein change: p.Lys339Thr; replaces lysine 339 with threonine.
Molecular consequence: missense variant.
Genome position (GRCh38, 1-based): chr15:60,503,594, T>G on the plus strand (A>C on the coding strand, the complement: RORA is on the minus strand). VCF-style: chr15-60503594-T-G. GRCh37 (hg19) VCF-style: chr15-60795793-T-G.
Other names: c.1091A>C, p.Lys364Thr (NM_002943.4); c.1115A>C, p.Lys372Thr (NM_134260.3); c.851A>C, p.Lys284Thr (NM_134262.3); short protein forms K284T, K339T, K364T, K372T.
Identifiers: ClinVar variation 985754 (VCV000985754.4), dbSNP rs2065399689, ClinGen allele CA392668670.

ClinVar aggregate classification (germline): Conflicting classifications of pathogenicity. Review status: criteria provided, conflicting classifications (1 of 4 stars). 2 submissions from 2 submitters: Pathogenic (1); Uncertain significance (1). Last evaluated 2025-10-22.

Conditions:
Intellectual developmental disorder with or without epilepsy or cerebellar ataxia. Identifiers: MedGen C4748041, MONDO:0060745, OMIM 618060.
Inborn genetic diseases. Identifiers: MedGen C0950123, MeSH D030342.

Submissions (2):

Greenwood Genetic Center Diagnostic Laboratories, Greenwood Genetic Center
Classification: Pathogenic for Intellectual developmental disorder with or without epilepsy or cerebellar ataxia. Last evaluated: 2025-10-22. Review status: criteria provided, single submitter. Criteria: ACMG Guidelines, 2015. Collection method: clinical testing. Allele origin: germline. Affected: yes.
Comment: PS2, PS4_Supporting, PM1, PM2, PP3

Ambry Genetics
Classification: Uncertain significance for Inborn genetic diseases. Last evaluated: 2018-05-16. Review status: criteria provided, single submitter. Criteria: Ambry exome assertion method (8-5-2015). Collection method: clinical testing. Allele origin: germline. Affected: yes. Observed: 1 variant allele.

Literature cited by the submitters: PubMed 29656859 (cited by Ambry Genetics).